The following is an entry in ClinVar:

ClinVar aggregate classification (germline): Likely pathogenic (1 of 4 stars; one submission).

Conditions:
Bailey-Bloch congenital myopathy (CMYO13). Also called: Native American myopathy; STAC3 disorder; Congenital myopathy 13. Identifiers: Orphanet 168572, MedGen C1850625, MONDO:0009722, OMIM 255995.

Submission:

Juno Genomics, Hangzhou Juno Genomics, Inc
Classification: Likely pathogenic for Bailey-Bloch congenital myopathy. Review status: criteria provided, single submitter. Criteria: ACMG Guidelines, 2015. Collection method: clinical testing. Allele origin: germline.
Comment: Null variant in a gene where loss of function (LOF) is a known mechanism of disease.;Absent from controls (or at extremely low frequency if recessive) in Genome Aggregation Database.

NM_145064.3(STAC3):c.334+1G>A

Gene: STAC3 (SH3 and cysteine rich domain 3; minus strand). Cytogenetic location: 12q13.3.
Variant type: single nucleotide variant.
Coding change: c.334+1G>A on transcript NM_145064.3 (MANE Select); the canonical splice donor site of the intron after coding-DNA position 334, G replaced by A.
Molecular consequence: splice donor variant. On other transcripts: intron variant (1).
Genome position (GRCh38, 1-based): chr12:57,249,040, C>T on the plus strand (G>A on the coding strand, the complement: STAC3 is on the minus strand). VCF-style: chr12-57249040-C-T. GRCh37 (hg19) VCF-style: chr12-57642823-C-T.
Other names: c.-126-842G>A (NM_001286257.2); c.217+1G>A (NM_001286256.2).
Identifiers: ClinVar variation 5005142 (VCV005005142.2).
Genomic context (GRCh38, chr12:57,249,040, plus strand): 5'-GCCCTCTCCCCAAACCTCTGCCTTCAATATCATACTCTCTTCACTTCCCTTCATGACTCA[C>T]GAACAATCATCCGGGCACAGACATCACAGAACTTTGGCTTCTTGAAGAAGTGATCTTTGA-3'